The following is an entry in ClinVar:

NM_021978.4(ST14):c.307G>C (p.Asp103His)

Gene: ST14 (ST14 transmembrane serine protease matriptase; plus strand). Cytogenetic location: 11q24.3.
Variant type: single nucleotide variant.
Coding change: c.307G>C on transcript NM_021978.4 (MANE Select); coding-DNA position 307, G replaced by C.
Protein change: p.Asp103His; replaces aspartic acid 103 with histidine.
Molecular consequence: missense variant.
Genome position (GRCh38, 1-based): chr11:130,188,595, G>C. VCF-style: chr11-130188595-G-C. GRCh37 (hg19) VCF-style: chr11-130058490-G-C.
Other names: short protein forms D103H.
Identifiers: ClinVar variation 1466170 (VCV001466170.6), dbSNP rs929777574, ClinGen allele CA230681609.

ClinVar aggregate classification (germline): Uncertain significance (1 of 4 stars; one submission).

Allele frequency attached by ClinVar (database versions not stated): gnomAD exomes below 0.00001; gnomAD 0.00001; TOPMed 0.00003.
gnomAD v4.1: 6 of 1,614,112 alleles (0.00037%); highest among the groups gnomAD compares: Admixed American, 0.0017%; no homozygotes.

Submission:

Labcorp Genetics (formerly Invitae), Labcorp
Classification: Uncertain significance. Last evaluated: 2021-10-20. Review status: criteria provided, single submitter. Criteria: Invitae Variant Classification Sherloc (09022015). Collection method: clinical testing. Allele origin: germline.
Comment: This sequence change replaces aspartic acid with histidine at codon 103 of the ST14 protein (p.Asp103His). The aspartic acid residue is highly conserved and there is a moderate physicochemical difference between aspartic acid and histidine. In summary, the available evidence is currently insufficient to determine the role of this variant in disease. Therefore, it has been classified as a Variant of Uncertain Significance. Algorithms developed to predict the effect of missense changes on protein structure and function (SIFT, PolyPhen-2, Align-GVGD) all suggest that this variant is likely to be disruptive. This variant has not been reported in the literature in individuals affected with ST14-related conditions. This variant is not present in population databases (ExAC no frequency).